The following is an entry in ClinVar:

ClinVar aggregate classification (germline): Uncertain significance. Review status: criteria provided, multiple submitters, no conflicts (2 of 4 stars). 3 submissions from 3 submitters: Uncertain significance (3). Last evaluated 2025-12-03.

Conditions:
Prader-Willi syndrome (PWS). Identifiers: Orphanet 739, MedGen C0032897, MONDO:0008300, OMIM 176270. Disease mechanism: loss of function, Microdeletion. Inheritance: Microdletion.

Submissions (3):

Labcorp Genetics (formerly Invitae), Labcorp
Classification: Uncertain significance. Last evaluated: 2025-12-03. Review status: criteria provided, single submitter. Criteria: Invitae Variant Classification Sherloc (09022015). Collection method: clinical testing. Allele origin: germline.
Comment: This variant, c.539_568del, results in the deletion of 10 amino acid(s) of the MAGEL2 protein (p.Val180_Met189del), but otherwise preserves the integrity of the reading frame. This variant is present in population databases (rs779748148, gnomAD 0.05%), and has an allele count higher than expected for a pathogenic variant. This variant has not been reported in the literature in individuals affected with MAGEL2-related conditions. ClinVar contains an entry for this variant (Variation ID: 931010). Experimental studies and prediction algorithms are not available or were not evaluated, and the functional significance of this variant is currently unknown. In summary, the available evidence is currently insufficient to determine the role of this variant in disease. Therefore, it has been classified as a Variant of Uncertain Significance.

Genetic Services Laboratory, University of Chicago
Classification: Uncertain significance. Last evaluated: 2021-12-02. Review status: criteria provided, single submitter. Criteria: ACMG Guidelines, 2015. Collection method: clinical testing. Allele origin: germline. Affected: no.
Comment: DNA sequence analysis of the MAGEL2 gene demonstrated a 30 base pair deletion in exon 1, c.539_568del. This in-frame deletion is predicted to result in the deletion of a 10 amino acid residue, p.Val180_Met189del. This sequence change has been described in gnomAD with a frequency of 0.00144% in the East Asian sub-population (dbSNP rs546001754). This sequence change does not appear to have been previously described in patients with MAGEL2-related disorders. The functional significance of this sequence change is not known at present and its contribution to this patient's disease phenotype cannot definitively be determined.

Centre for Mendelian Genomics, University Medical Centre Ljubljana
Classification: Uncertain significance for Prader-Willi syndrome. Last evaluated: 2019-03-27. Review status: criteria provided, single submitter. Criteria: ACMG Guidelines, 2015. Collection method: clinical testing. Allele origin: unknown. Affected: yes.
Comment: This variant was classified as: Uncertain significance. The available evidence on this variant's pathogenicity is insufficient or conflicting. The following ACMG criteria were applied in classifying this variant: PM4.

NM_019066.5(MAGEL2):c.539_568del (p.Val180_Met189del)

Gene: MAGEL2 (MAGE family member L2; minus strand). Cytogenetic location: 15q11.2.
Variant type: Deletion.
Coding change: c.539_568del on transcript NM_019066.5 (MANE Select); coding-DNA positions 539 to 568, 30 bases deleted (TGCATCCTCCTCCTCCGGGGACCCCGATGG).
Protein change: p.Val180_Met189del.
Molecular consequence: inframe deletion.
Genome position (GRCh38, 1-based): chr15:23,647,175-23,647,204, CCATCGGGGTCCCCGGAGGAGGAGGATGCA deleted on the plus strand (TGCATCCTCCTCCTCCGGGGACCCCGATGG on the coding strand, the reverse complement: MAGEL2 is on the minus strand); deleting any 30 consecutive bases within chr15:23,647,175-23,647,232 gives the same sequence; the c. name uses the placement nearest the transcript's 3' end. VCF-style (leftmost placement, unchanged base first): chr15-23647174-GCCATCGGGGTCCCCGGAGGAGGAGGATGCA-G. GRCh37 (hg19) VCF-style: chr15-23892321-GCCATCGGGGTCCCCGGAGGAGGAGGATGCA-G.
Other names: c.539_568delTGCATCCTCCTCCTCCGGGGACCCCGATGG (NM_019066.4).
Identifiers: ClinVar variation 931010 (VCV000931010.11), dbSNP rs779748148, ClinGen allele CA7430103.